The following is an entry in ClinVar:

ClinVar aggregate classification (germline): Uncertain significance (1 of 4 stars; one submission).

Conditions:
Hereditary pancreatitis (PCTT). Also called: Hereditary chronic pancreatitis; PRSS1-Related Hereditary Pancreatitis. Identifiers: Orphanet 676, MedGen C0238339, MONDO:0008185, OMIM 167800.

Submission:

Ambry Genetics
Classification: Uncertain significance for Hereditary pancreatitis. Last evaluated: 2024-05-22. Review status: criteria provided, single submitter. Criteria: Ambry Variant Classification Scheme 2023. Collection method: clinical testing. Allele origin: germline.
Comment: The p.A393S variant (also known as c.1177G>T), located in coding exon 10 of the CPA1 gene, results from a G to T substitution at nucleotide position 1177. The alanine at codon 393 is replaced by serine, an amino acid with similar properties. This amino acid position is conserved. In addition, this alteration is predicted to be tolerated by in silico analysis. Based on the available evidence, the clinical significance of this variant remains unclear.

NM_001868.4(CPA1):c.1177G>T (p.Ala393Ser)

Gene: CPA1 (carboxypeptidase A1; plus strand). Cytogenetic location: 7q32.2.
Variant type: single nucleotide variant.
Coding change: c.1177G>T on transcript NM_001868.4 (MANE Select); coding-DNA position 1177, G replaced by T.
Protein change: p.Ala393Ser; replaces alanine 393 with serine.
Molecular consequence: missense variant.
Genome position (GRCh38, 1-based): chr7:130,387,928, G>T. VCF-style: chr7-130387928-G-T. GRCh37 (hg19) VCF-style: chr7-130027769-G-T.
Other names: short protein forms A393S.
Identifiers: ClinVar variation 3269096 (VCV003269096.1).
Genomic context (GRCh38, chr7:130,387,928, plus strand): 5'-ATCAAGTACTCCTTCACCTTCGAGCTCCGGGACACTGGGCGCTATGGCTTCCTGCTGCCA[G>T]CCTCCCAGATCATCCCCACAGCCAAGGAGACGTGGCTGGCGCTTCTGACCATCATGGAGC-3'
Protein context (NP_001859.1, residues 383-403): DTGRYGFLLP[Ala393Ser]SQIIPTAKET